The following is an entry in ClinVar:

NM_000218.3(KCNQ1):c.1394-28488C>T

Genes: KCNQ1 (potassium voltage-gated channel subfamily Q member 1; plus strand), KCNQ1OT1 (KCNQ1 opposite strand/antisense transcript 1; minus strand). Cytogenetic location: 11p15.5.
Variant type: single nucleotide variant.
Coding change: c.1394-28488C>T on transcript NM_000218.3 (MANE Select); 28488 bases into the intron before coding-DNA position 1394, C replaced by T.
Molecular consequence: intron variant. On other transcripts: non-coding transcript variant (1).
Genome position (GRCh38, 1-based): chr11:2,633,473, C>T. VCF-style: chr11-2633473-C-T. GRCh37 (hg19) VCF-style: chr11-2654703-C-T.
Other names: c.1124-28488C>T (NM_001406837.1); c.1298-28488C>T (NM_001406836.1); c.854-28488C>T (NM_001406838.1); c.1013-28488C>T (NM_181798.2).
Identifiers: ClinVar variation 4874073 (VCV004874073.2).

ClinVar aggregate classification (germline): Benign (1 of 4 stars; one submission).

gnomAD v4.1: 122 of 398,398 alleles (0.031%); highest among the groups gnomAD compares: African/African-American, 0.23%; no homozygotes.

Submission:

CeGaT Center for Human Genetics Tuebingen
Classification: Benign. Last evaluated: 2026-06-01. Review status: criteria provided, single submitter. Criteria: CeGaT Center For Human Genetics Tuebingen Variant Classification Criteria Version 2. Collection method: clinical testing. Allele origin: germline. Affected: yes. Observed: 1 variant allele.
Comment: KCNQ1OT1: BS1, BS2